The following is an entry in ClinVar:

NM_000022.4(ADA):c.368A>C (p.Asp123Ala)

Gene: ADA (adenosine deaminase; minus strand). Cytogenetic location: 20q13.12.
Variant type: single nucleotide variant.
Coding change: c.368A>C on transcript NM_000022.4 (MANE Select); coding-DNA position 368, A replaced by C.
Protein change: p.Asp123Ala; replaces aspartic acid 123 with alanine.
Molecular consequence: missense variant. On other transcripts: non-coding transcript variant (1), intron variant (1).
Genome position (GRCh38, 1-based): chr20:44,625,679, T>G on the plus strand (A>C on the coding strand, the complement: ADA is on the minus strand). VCF-style: chr20-44625679-T-G. GRCh37 (hg19) VCF-style: chr20-43254320-T-G.
Other names: c.368A>C, p.Asp123Ala (NM_001322051.2); c.73+777A>C (NM_001322050.2); short protein forms D123A.
Identifiers: ClinVar variation 2894801 (VCV002894801.3), dbSNP rs1600923815, ClinGen allele CA409121241.

ClinVar aggregate classification (germline): Uncertain significance (1 of 4 stars; one submission).

Conditions:
Severe combined immunodeficiency, autosomal recessive, T cell-negative, B cell-negative, NK cell-negative, due to adenosine deaminase deficiency. Also called: ADA deficiency; Adenosine deaminase deficient severe combined immunodeficiency; Severe combined immunodeficiency due to ADA deficiency; Adenosine Deaminase Deficiency; SCID DUE TO ADA DEFICIENCY; SCID DUE TO ADA DEFICIENCY, EARLY-ONSET. Identifiers: Orphanet 277, MedGen C0392607, MONDO:0007064, OMIM 102700.

Allele frequency attached by ClinVar (database versions not stated): TOPMed below 0.00001.

Submission:

Labcorp Genetics (formerly Invitae), Labcorp
Classification: Uncertain significance for Severe combined immunodeficiency, autosomal recessive, T cell-negative, B cell-negative, NK cell-negative, due to adenosine deaminase deficiency. Last evaluated: 2023-05-07. Review status: criteria provided, single submitter. Criteria: Invitae Variant Classification Sherloc (09022015). Collection method: clinical testing. Allele origin: germline.
Comment: This sequence change replaces aspartic acid, which is acidic and polar, with alanine, which is neutral and non-polar, at codon 123 of the ADA protein (p.Asp123Ala). This variant is not present in population databases (gnomAD no frequency). This variant has not been reported in the literature in individuals affected with ADA-related conditions. Advanced modeling of protein sequence and biophysical properties (such as structural, functional, and spatial information, amino acid conservation, physicochemical variation, residue mobility, and thermodynamic stability) performed at Invitae indicates that this missense variant is not expected to disrupt ADA protein function. In summary, the available evidence is currently insufficient to determine the role of this variant in disease. Therefore, it has been classified as a Variant of Uncertain Significance.